The following is an entry in ClinVar:

ClinVar aggregate classification (germline): Uncertain significance (1 of 4 stars; one submission).

Allele frequency attached by ClinVar (database versions not stated): gnomAD exomes below 0.00001; ExAC 0.00001.
gnomAD v4.1: 2 of 1,614,040 alleles (0.00012%); highest among the groups gnomAD compares: East Asian, 0.0045%; no homozygotes.

Submission:

Ambry Genetics
Classification: Uncertain significance. Last evaluated: 2021-10-19. Review status: criteria provided, single submitter. Criteria: Ambry Variant Classification Scheme 2023. Collection method: clinical testing. Allele origin: germline.
Comment: The p.F396L variant (also known as c.1186T>C), located in coding exon 12 of the PRKDC gene, results from a T to C substitution at nucleotide position 1186. The phenylalanine at codon 396 is replaced by leucine, an amino acid with highly similar properties. This amino acid position is conserved. In addition, this alteration is predicted to be tolerated by in silico analysis. Since supporting evidence is limited at this time, the clinical significance of this alteration remains unclear.

NM_006904.7(PRKDC):c.1186T>C (p.Phe396Leu)

Gene: PRKDC (protein kinase, DNA-activated, catalytic subunit; minus strand). Cytogenetic location: 8q11.21.
Variant type: single nucleotide variant.
Coding change: c.1186T>C on transcript NM_006904.7 (MANE Select); coding-DNA position 1186, T replaced by C.
Protein change: p.Phe396Leu; replaces phenylalanine 396 with leucine.
Molecular consequence: missense variant.
Genome position (GRCh38, 1-based): chr8:47,936,445, A>G on the plus strand (T>C on the coding strand, the complement: PRKDC is on the minus strand). VCF-style: chr8-47936445-A-G. GRCh37 (hg19) VCF-style: chr8-48849005-A-G.
Other names: c.1186T>C, p.Phe396Leu (NM_001081640.2); short protein forms F396L.
Identifiers: ClinVar variation 1743626 (VCV001743626.2), dbSNP rs770050338, ClinGen allele CA4741794.